The following is an entry in ClinVar:

ClinVar aggregate classification (germline): Uncertain significance. Review status: criteria provided, multiple submitters, no conflicts (2 of 4 stars). 3 submissions from 3 submitters: Uncertain significance (3). Last evaluated 2024-06-12.

gnomAD v4.1: 9 of 1,583,908 alleles (0.00057%); highest among the groups gnomAD compares: Middle Eastern, 0.017%; no homozygotes.

Submissions (3):

GeneDx
Classification: Uncertain significance. Last evaluated: 2024-06-12. Review status: criteria provided, single submitter. Criteria: GeneDx Variant Classification Process June 2021. Collection method: clinical testing. Allele origin: germline. Affected: yes.
Comment: Not observed at significant frequency in large population cohorts (gnomAD); In silico analysis indicates that this missense variant does not alter protein structure/function; Has not been previously published as pathogenic or benign to our knowledge

Labcorp Genetics (formerly Invitae), Labcorp
Classification: Uncertain significance. Last evaluated: 2023-02-28. Review status: criteria provided, single submitter. Criteria: Invitae Variant Classification Sherloc (09022015). Collection method: clinical testing. Allele origin: germline.
Comment: This sequence change replaces arginine, which is basic and polar, with glycine, which is neutral and non-polar, at codon 42 of the WFS1 protein (p.Arg42Gly). In summary, the available evidence is currently insufficient to determine the role of this variant in disease. Therefore, it has been classified as a Variant of Uncertain Significance. Advanced modeling of protein sequence and biophysical properties (such as structural, functional, and spatial information, amino acid conservation, physicochemical variation, residue mobility, and thermodynamic stability) performed at Invitae indicates that this missense variant is not expected to disrupt WFS1 protein function. This variant has not been reported in the literature in individuals affected with WFS1-related conditions. This variant is not present in population databases (gnomAD no frequency).

Blueprint Genetics
Classification: Uncertain significance. Last evaluated: 2021-12-23. Review status: criteria provided, single submitter. Criteria: ACMG Guidelines, 2015. Collection method: clinical testing. Allele origin: germline.

NM_006005.3(WFS1):c.124C>G (p.Arg42Gly)

Gene: WFS1 (wolframin ER transmembrane glycoprotein; plus strand). Cytogenetic location: 4p16.1.
Variant type: single nucleotide variant.
Coding change: c.124C>G on transcript NM_006005.3 (MANE Select); coding-DNA position 124, C replaced by G.
Protein change: p.Arg42Gly; replaces arginine 42 with glycine.
Molecular consequence: missense variant.
Genome position (GRCh38, 1-based): chr4:6,277,579, C>G. VCF-style: chr4-6277579-C-G. GRCh37 (hg19) VCF-style: chr4-6279306-C-G.
Other names: c.124C>G, p.Arg42Gly (NM_001145853.1); short protein forms R42G.
Identifiers: ClinVar variation 2838961 (VCV002838961.5), dbSNP rs71530923, ClinGen allele CA91787384.
Genomic context (GRCh38, chr4:6,277,579, plus strand): 5'-CAGGCGCGTTCCCGACTCAATGCCACAGCCTCGTTGGAGCAGGAGAGGAGCGAAAGGCCC[C>G]GAGCACCCGGACCCCAGGCTGGCCCTGGCCCTGGTGTTAGAGACGCAGCGGCCCCCGCTG-3'
Protein context (NP_005996.2, residues 32-52): SLEQERSERP[Arg42Gly]APGPQAGPGP